The following is an entry in ClinVar:

ClinVar aggregate classification (germline): Uncertain significance (1 of 4 stars; one submission).

Conditions:
RPGRIP1L-related disorder. Also called: RPGRIP1L-related condition; RPGRIP1L-related disorders. Identifiers: MedGen CN239416.

Submission:

PreventionGenetics, part of Exact Sciences
Classification: Uncertain significance for RPGRIP1L-related condition. Last evaluated: 2026-05-23. Review status: criteria provided, single submitter. Criteria: ACMG Guidelines, 2015. Collection method: clinical testing. Allele origin: germline.
Comment: The RPGRIP1L c.173A>C variant is predicted to result in the amino acid substitution p.His58Pro. To our knowledge, this variant has not been reported in the literature or in a large population database (gnomAD), indicating this variant is rare. At this time, the clinical significance of this variant is uncertain due to the absence of conclusive functional and genetic evidence.

NM_015272.5(RPGRIP1L):c.173A>C (p.His58Pro)

Gene: RPGRIP1L (RPGRIP1 like; minus strand). Cytogenetic location: 16q12.2.
Variant type: single nucleotide variant.
Coding change: c.173A>C on transcript NM_015272.5 (MANE Select); coding-DNA position 173, A replaced by C.
Protein change: p.His58Pro; replaces histidine 58 with proline.
Molecular consequence: missense variant.
Genome position (GRCh38, 1-based): chr16:53,696,208, T>G on the plus strand (A>C on the coding strand, the complement: RPGRIP1L is on the minus strand). VCF-style: chr16-53696208-T-G. GRCh37 (hg19) VCF-style: chr16-53730120-T-G.
Other names: c.173A>C, p.His58Pro (NM_001127897.4, NM_001308334.3, NM_001328422.2 and 2 more transcripts); short protein forms H58P.
Identifiers: ClinVar variation 4978438 (VCV004978438.1).